The following is an entry in ClinVar:

ClinVar aggregate classification (germline): Pathogenic (1 of 4 stars; one submission).

Conditions:
Glycogen storage disease IXb (GSD9B). Also called: GLYCOGENOSIS OF LIVER AND MUSCLE, AUTOSOMAL RECESSIVE; GSD IXb; PHOSPHORYLASE KINASE DEFICIENCY OF LIVER AND MUSCLE, AUTOSOMAL RECESSIVE. Identifiers: Orphanet 79240, MedGen C0543514, MONDO:0009868, OMIM 261750.

Submission:

Labcorp Genetics (formerly Invitae), Labcorp
Classification: Pathogenic for Glycogen storage disease IXb. Last evaluated: 2023-08-16. Review status: criteria provided, single submitter. Criteria: Invitae Variant Classification Sherloc (09022015). Collection method: clinical testing. Allele origin: unknown.
Comment: For these reasons, this variant has been classified as Pathogenic. This variant has not been reported in the literature in individuals affected with PHKB-related conditions. This variant is a gross deletion of the genomic region encompassing exon(s) 2-5 of the PHKB gene. This deletion is out-of-frame, and is expected to create a premature termination codon and result in an absent or disrupted protein product. Loss-of-function variants in PHKB are known to be pathogenic (PMID: 9215682, 9326319).

Literature cited by the submitters: PubMed 9215682; PubMed 9326319.

NC_000016.9:g.(?_47531290)_(47545703_?)del

Gene: PHKB (phosphorylase kinase regulatory subunit beta; plus strand). Cytogenetic location: 16q12.1.
Variant type: Deletion.
Identifiers: ClinVar variation 3243388 (VCV003243388.1).